The following is an entry in ClinVar:

NM_001004320.2(AGMO):c.1234C>A (p.Leu412Ile)

Gene: AGMO (alkylglycerol monooxygenase; minus strand). Cytogenetic location: 7p21.2.
Variant type: single nucleotide variant.
Coding change: c.1234C>A on transcript NM_001004320.2 (MANE Select); coding-DNA position 1234, C replaced by A.
Protein change: p.Leu412Ile; replaces leucine 412 with isoleucine.
Molecular consequence: missense variant.
Genome position (GRCh38, 1-based): chr7:15,365,543, G>T on the plus strand (C>A on the coding strand, the complement: AGMO is on the minus strand). VCF-style: chr7-15365543-G-T. GRCh37 (hg19) VCF-style: chr7-15405168-G-T.
Other names: short protein forms L412I.
Identifiers: ClinVar variation 2633128 (VCV002633128.1), dbSNP rs772864412, ClinGen allele CA366875758.
Genomic context (GRCh38, chr7:15,365,543, plus strand): 5'-CATCCTGTGGCTACCTAAACAAATGTCTTACCTCAAAAGCAGATGACAATGAAGGGACAA[G>T]AGGCTTCAGGTGACCAAATCGGTACAGCATTAAGAACATCAAGCAACGGAGAGTTTCCAT-3'
Protein context (NP_001004320.1, residues 402-422): MLYRFGHLKP[Leu412Ile]VPSLSSAFEI

ClinVar aggregate classification (germline): Uncertain significance (1 of 4 stars; one submission).

Conditions:
AGMO-related disorder. Also called: AGMO-related condition.

gnomAD v4.1: 1 of 1,612,790 alleles (0.000062%); highest among the groups gnomAD compares: Non-Finnish European, 0.000085%; no homozygotes.

Submission:

PreventionGenetics, part of Exact Sciences
Classification: Uncertain significance for AGMO-related condition. Last evaluated: 2023-07-17. Review status: criteria provided, single submitter. Criteria: ACMG Guidelines, 2015. Collection method: clinical testing. Allele origin: germline.
Comment: The AGMO c.1234C>A variant is predicted to result in the amino acid substitution p.Leu412Ile. To our knowledge, this variant has not been reported in the literature or in a large population database, indicating this variant is rare. At this time, the clinical significance of this variant is uncertain due to the absence of conclusive functional and genetic evidence.